The following is an entry in ClinVar:

ClinVar aggregate classification (germline): Uncertain significance (1 of 4 stars; one submission).

Conditions:
Hereditary cancer-predisposing syndrome. Also called: Neoplastic Syndromes, Hereditary; Tumor predisposition; Hereditary neoplastic syndrome; Hereditary Cancer Syndrome. Identifiers: Orphanet 140162, MedGen C0027672, MeSH D009386, MONDO:0015356.

Submission:

Ambry Genetics
Classification: Uncertain significance for Hereditary cancer-predisposing syndrome. Last evaluated: 2024-02-22. Review status: criteria provided, single submitter. Criteria: Ambry Variant Classification Scheme 2023. Collection method: clinical testing. Allele origin: germline.
Comment: The p.S15G variant (also known as c.43A>G), located in coding exon 1 of the CHEK2 gene, results from an A to G substitution at nucleotide position 43. The serine at codon 15 is replaced by glycine, an amino acid with similar properties. This amino acid position is conserved. In addition, the in silico prediction for this alteration is inconclusive. Based on the available evidence, the clinical significance of this alteration remains unclear.

NM_007194.4(CHEK2):c.43A>G (p.Ser15Gly)

Gene: CHEK2 (checkpoint kinase 2; minus strand). Cytogenetic location: 22q12.1.
Variant type: single nucleotide variant.
Coding change: c.43A>G on transcript NM_007194.4 (MANE Select); coding-DNA position 43, A replaced by G.
Protein change: p.Ser15Gly; replaces serine 15 with glycine.
Molecular consequence: missense variant.
Genome position (GRCh38, 1-based): chr22:28,734,679, T>C on the plus strand (A>G on the coding strand, the complement: CHEK2 is on the minus strand). VCF-style: chr22-28734679-T-C. GRCh37 (hg19) VCF-style: chr22-29130667-T-C.
Other names: c.43A>G, p.Ser15Gly (NM_001005735.3, NM_001349956.3, NM_145862.3); c.-735A>G (NM_001257387.3); short protein forms S15G.
Identifiers: ClinVar variation 3226036 (VCV003226036.1), dbSNP rs2146155290, ClinGen allele CA411091918.